The following is an entry in ClinVar:

NM_177924.5(ASAH1):c.-5G>A

Genes: ASAH1 (N-acylsphingosine amidohydrolase 1; minus strand), LOC129999940 (ATAC-STARR-seq lymphoblastoid silent region 18966; plus strand). Cytogenetic location: 8p22.
Variant type: single nucleotide variant.
Coding change: c.-5G>A on transcript NM_177924.5 (MANE Select); 5 bases upstream of the start codon, G replaced by A.
Molecular consequence: 5 prime UTR variant. On other transcripts: intron variant (2).
Genome position (GRCh38, 1-based): chr8:18,084,063, C>T on the plus strand (G>A on the coding strand, the complement: ASAH1 is on the minus strand). VCF-style: chr8-18084063-C-T. GRCh37 (hg19) VCF-style: chr8-17941572-C-T.
Other names: c.126+613G>A (NM_004315.6, NM_001127505.3).
Identifiers: ClinVar variation 3054454 (VCV003054454.2), dbSNP rs748763820, ClinGen allele CA4651148.

ClinVar aggregate classification (germline): Likely benign (0 of 4 stars; one submission).

Conditions:
ASAH1-related disorders. Also called: ASAH1-related condition; ASAH1-related disorder. Identifiers: MedGen CN376120, MONDO:0800460.

Allele frequency attached by ClinVar (database versions not stated): ExAC 0.00001.
gnomAD v4.1: 10 of 1,598,498 alleles (0.00063%); highest among the groups gnomAD compares: South Asian, 0.0011%; no homozygotes.

Submission:

PreventionGenetics, part of Exact Sciences
Classification: Likely benign for ASAH1-related condition. Last evaluated: 2023-03-14. Review status: no assertion criteria provided. Collection method: clinical testing. Allele origin: germline.
Comment: This variant is classified as likely benign based on ACMG/AMP sequence variant interpretation guidelines (Richards et al. 2015 PMID: 25741868, with internal and published modifications).